The following is an entry in ClinVar:

NM_017934.7(PHIP):c.601-4T>C

Gene: PHIP (PHIP subunit of CUL4-Ring ligase complex; minus strand). Cytogenetic location: 6q14.1.
Variant type: single nucleotide variant.
Coding change: c.601-4T>C on transcript NM_017934.7 (MANE Select); 4 bases into the intron before coding-DNA position 601, T replaced by C.
Molecular consequence: intron variant.
Genome position (GRCh38, 1-based): chr6:79,026,168, A>G on the plus strand (T>C on the coding strand, the complement: PHIP is on the minus strand). VCF-style: chr6-79026168-A-G. GRCh37 (hg19) VCF-style: chr6-79735885-A-G.
Identifiers: ClinVar variation 1567437 (VCV001567437.27), dbSNP rs202141638, ClinGen allele CA3900332.

ClinVar aggregate classification (germline): Benign/Likely benign. Review status: criteria provided, multiple submitters, no conflicts (2 of 4 stars). 2 submissions from 2 submitters: Benign (1); Likely benign (1). Last evaluated 2024-05-01.

Allele frequency attached by ClinVar (database versions not stated): 1000 Genomes Project 30x 0.00031; 1000 Genomes Project 0.00040.
gnomAD v4.1: 109 of 1,599,472 alleles (0.0068%); highest among the groups gnomAD compares: East Asian, 0.19%; no homozygotes.

Submissions (2):

CeGaT Center for Human Genetics Tuebingen
Classification: Likely benign. Last evaluated: 2024-05-01. Review status: criteria provided, single submitter. Criteria: CeGaT Center For Human Genetics Tuebingen Variant Classification Criteria Version 2. Collection method: clinical testing. Allele origin: germline. Affected: yes. Observed: 1 variant allele.
Comment: PHIP: BP4, BS1

Labcorp Genetics (formerly Invitae), Labcorp
Classification: Benign. Last evaluated: 2022-11-17. Review status: criteria provided, single submitter. Criteria: Invitae Variant Classification Sherloc (09022015). Collection method: clinical testing. Allele origin: germline.